The following is an entry in ClinVar:

ClinVar aggregate classification (germline): Pathogenic/Likely pathogenic. Review status: criteria provided, multiple submitters, no conflicts (2 of 4 stars). 4 submissions from 4 submitters: Pathogenic (1); Likely pathogenic (2). 1 of the submissions does not count toward it. Last evaluated 2026-03-26.

Conditions:
FASTKD2-related disorder. Also called: FASTKD2-related condition.
Combined oxidative phosphorylation deficiency 44. Also called: FASTKD2-Related Combined Oxidative Phosphorylation Deficiency. Identifiers: MedGen C5394293, MONDO:0030020, OMIM 618855.

Allele frequency attached by ClinVar (database versions not stated): ExAC 0.00001; TOPMed 0.00003; gnomAD 0.00005.
gnomAD v4.1: 82 of 1,595,406 alleles (0.0051%); highest among the groups gnomAD compares: South Asian, 0.0066%; no homozygotes.

Submissions (4):

GeneDx
Classification: Pathogenic. Last evaluated: 2026-03-26. Review status: criteria provided, single submitter. Criteria: GeneDx Variant Classification Process June 2021. Collection method: clinical testing. Allele origin: germline.
Comment: Not observed at significant frequency in large population cohorts (gnomAD); Canonical splice site variant predicted to result in a null allele in a gene for which loss of function is a known mechanism of disease; This variant is associated with the following publications: (PMID: 36531759)

Women's Health and Genetics/Laboratory Corporation of America, LabCorp
Classification: Likely pathogenic for Combined oxidative phosphorylation deficiency 44. Last evaluated: 2024-05-01. Review status: criteria provided, single submitter. Criteria: LabCorp Variant Classification Summary - May 2015. Collection method: clinical testing. Allele origin: germline.
Comment: Variant summary: FASTKD2 c.991-2A>G is located in a canonical splice-site and is predicted to affect mRNA splicing resulting in a significantly altered protein due to either exon skipping, shortening, or inclusion of intronic material. Several computational tools predict a significant impact on normal splicing, predicting the variant abolishes a 3' acceptor site. However, these predictions have yet to be confirmed by functional studies. The variant allele was found at a frequency of 1.6e-05 in 250196 control chromosomes. c.991-2A>G has been reported in the literature in at least one patient with mitochondrial encephalomyopathy with lactic acidosis and stroke-like episodes (MELAS)-like symptoms presenting with status epilepticus in childhood (Shah_2021). These data indicate that the variant may be associated with disease. To our knowledge, no experimental evidence demonstrating an impact on protein function has been reported. ClinVar contains an entry for this variant (Variation ID: 1722430). Based on the evidence outlined above, the variant was classified as likely pathogenic.

Fulgent Genetics
Classification: Likely pathogenic for Combined oxidative phosphorylation deficiency 44. Last evaluated: 2024-04-29. Review status: criteria provided, single submitter. Criteria: ACMG Guidelines, 2015. Collection method: clinical testing. Allele origin: germline.

PreventionGenetics, part of Exact Sciences
Classification: Likely pathogenic for FASTKD2-related condition. Last evaluated: 2024-04-12. Review status: no assertion criteria provided. Collection method: clinical testing. Allele origin: germline. Not counted in ClinVar's aggregate classification.
Comment: The FASTKD2 c.991-2A>G variant is predicted to disrupt the AG splice acceptor site and interfere with normal splicing. This variant is reported in 0.0035% of alleles in individuals of European (Non-Finnish) descent in gnomAD. Variants that disrupt the consensus splice acceptor site in FASTKD2 are expected to be pathogenic. This variant is interpreted as likely pathogenic.

NM_001136193.2(FASTKD2):c.991-2A>G

Gene: FASTKD2 (FASTK mitochondrial RNA regulator 2; plus strand). Cytogenetic location: 2q33.3.
Variant type: single nucleotide variant.
Coding change: c.991-2A>G on transcript NM_001136193.2 (MANE Select); the canonical splice acceptor site of the intron before coding-DNA position 991, A replaced by G.
Molecular consequence: splice acceptor variant.
Genome position (GRCh38, 1-based): chr2:206,771,892, A>G. VCF-style: chr2-206771892-A-G. GRCh37 (hg19) VCF-style: chr2-207636616-A-G.
Other names: c.991-2A>G (NM_001136194.2, NM_014929.4).
Identifiers: ClinVar variation 1722430 (VCV001722430.7), dbSNP rs774891673, ClinGen allele CA2075035.